The following is an entry in ClinVar:

NM_001203.3(BMPR1B):c.418G>A (p.Val140Ile)

Gene: BMPR1B (bone morphogenetic protein receptor type 1B; plus strand). Cytogenetic location: 4q22.3.
Variant type: single nucleotide variant.
Coding change: c.418G>A on transcript NM_001203.3 (MANE Select); coding-DNA position 418, G replaced by A.
Protein change: p.Val140Ile; replaces valine 140 with isoleucine.
Molecular consequence: missense variant.
Genome position (GRCh38, 1-based): chr4:95,123,878, G>A. VCF-style: chr4-95123878-G-A. GRCh37 (hg19) VCF-style: chr4-96045029-G-A.
Other names: c.418G>A, p.Val140Ile (NM_001256792.2, NM_001256794.1); c.508G>A, p.Val170Ile (NM_001256793.2); short protein forms V140I, V170I.
Identifiers: ClinVar variation 218545 (VCV000218545.57), dbSNP rs138801821, ClinGen allele CA248893.

ClinVar aggregate classification (germline): Benign/Likely benign. Review status: criteria provided, multiple submitters, no conflicts (2 of 4 stars). 9 submissions from 9 submitters: Benign (4); Likely benign (4). 1 of the submissions does not count toward it. Last evaluated 2026-01-15.

Conditions:
BMPR1B-related disorder. Also called: BMPR1B-related condition.
Acromesomelic dysplasia 3 (AMD3). Also called: CHONDRODYSPLASIA, ACROMESOMELIC, WITH OR WITHOUT GENITAL ANOMALIES; Acromesomelic dysplasia, Demirhan type. Identifiers: MedGen C4225404, MONDO:0012274, OMIM 609441.
Type A2 brachydactyly (BDA2). Also called: MOHR-WRIEDT TYPE BRACHYDACTYLY; Brachymesophalangy type 2; BRACHYMESOPHALANGY II. Identifiers: Orphanet 93396, MedGen C1832702, MONDO:0007216, OMIM 112600, HP:0009372.
Brachydactyly. Also called: Brachydactyly syndrome; Brachydactyly (disease). Identifiers: MedGen C0221357, MONDO:0021004, HP:0001156.

Allele frequency attached by ClinVar (database versions not stated): ExAC 0.00113; gnomAD exomes 0.00128; 1000 Genomes Project 30x 0.00219; 1000 Genomes Project 0.00220; gnomAD 0.00265 and 0.00280; TOPMed 0.00310; ESP Exome Variant Server 0.00377.

Submissions (9):

Labcorp Genetics (formerly Invitae), Labcorp
Classification: Likely benign for Type A2 brachydactyly; Acromesomelic dysplasia 3. Last evaluated: 2026-01-15. Review status: criteria provided, single submitter. Criteria: Invitae Variant Classification Sherloc (09022015). Collection method: clinical testing. Allele origin: germline.

CeGaT Center for Human Genetics Tuebingen
Classification: Benign. Last evaluated: 2025-12-01. Review status: criteria provided, single submitter. Criteria: CeGaT Center For Human Genetics Tuebingen Variant Classification Criteria Version 2. Collection method: clinical testing. Allele origin: germline. Affected: yes. Observed: 3 variant alleles.
Comment: BMPR1B: BP4, BS1, BS2

Genomic Medicine Center of Excellence, King Faisal Specialist Hospital and Research Centre
Classification: Likely benign. Last evaluated: 2025-08-18. Review status: criteria provided, single submitter. Criteria: ACMG Guidelines, 2015. Collection method: clinical testing. Allele origin: germline.

Blueprint Genetics
Classification: Likely benign. Last evaluated: 2024-11-21. Review status: criteria provided, single submitter. Criteria: ACMG Guidelines, 2015. Collection method: clinical testing. Allele origin: germline.

Illumina Laboratory Services, Illumina
Classification: Benign for Brachydactyly. Last evaluated: 2018-01-13. Review status: criteria provided, single submitter. Criteria: ICSL Variant Classification Criteria 13 December 2019. Collection method: clinical testing. Allele origin: germline.
Comment: This variant was observed in the ICSL laboratory as part of a predisposition screen in an ostensibly healthy population. It had not been previously curated by ICSL or reported in the Human Gene Mutation Database (HGMD: prior to June 1st, 2018), and was therefore a candidate for classification through an automated scoring system. Utilizing variant allele frequency, disease prevalence and penetrance estimates, and inheritance mode, an automated score was calculated to assess if this variant is too frequent to cause the disease. Based on the score and internal cut-off values, a variant classified as benign is not then subjected to further curation. The score for this variant resulted in a classification of benign for this disease.

Eurofins Ntd Llc (ga)
Classification: Benign. Last evaluated: 2015-11-18. Review status: criteria provided, single submitter. Criteria: EGL Classification Definitions 2015. Collection method: clinical testing. Allele origin: germline. Observed: 1 variant allele, 1 heterozygote.

Genomic Diagnostic Laboratory, Division of Genomic Diagnostics, Children's Hospital of Philadelphia
Classification: Benign. Last evaluated: 2015-06-26. Review status: criteria provided, single submitter. Criteria: DGD Variant Analysis Guidelines. Collection method: clinical testing. Allele origin: unknown.

Breakthrough Genomics
Classification: Likely benign. Review status: criteria provided, single submitter. Criteria: ACMG Guidelines, 2015. Collection method: not provided. Allele origin: germline. Inheritance: Autosomal recessive inheritance. Affected: yes.

PreventionGenetics, part of Exact Sciences
Classification: Benign for BMPR1B-related condition. Last evaluated: 2019-12-09. Review status: no assertion criteria provided. Collection method: clinical testing. Allele origin: germline. Not counted in ClinVar's aggregate classification.
Comment: This variant is classified as benign based on ACMG/AMP sequence variant interpretation guidelines (Richards et al. 2015 PMID: 25741868, with internal and published modifications).